The following is an entry in ClinVar:

ClinVar aggregate classification (germline): Pathogenic (1 of 4 stars; one submission).

Conditions:
Long QT syndrome (LQTS). Identifiers: MedGen C0023976, MeSH D008133, MONDO:0002442. Disease mechanism: loss of function. Inheritance: Various modes of inheritance.

Submission:

Labcorp Genetics (formerly Invitae), Labcorp
Classification: Pathogenic for Long QT syndrome. Last evaluated: 2025-03-17. Review status: criteria provided, single submitter. Criteria: Invitae Variant Classification Sherloc (09022015). Collection method: clinical testing. Allele origin: germline.
Comment: This sequence change creates a premature translational stop signal (p.Gln1010*) in the KCNH2 gene. It is expected to result in an absent or disrupted protein product. Loss-of-function variants in KCNH2 are known to be pathogenic (PMID: 10973849, 19862833). This variant is not present in population databases (gnomAD no frequency). This premature translational stop signal has been observed in individual(s) with clinical features of long QT Syndrome (PMID: 36861347). For these reasons, this variant has been classified as Pathogenic.

Literature cited by the submitters: PubMed 10973849; PubMed 19862833; PubMed 36861347.

NM_000238.4(KCNH2):c.3028C>T (p.Gln1010Ter)

Gene: KCNH2 (potassium voltage-gated channel subfamily H member 2; minus strand). Cytogenetic location: 7q36.1.
Variant type: single nucleotide variant.
Coding change: c.3028C>T on transcript NM_000238.4 (MANE Select); coding-DNA position 3028, C replaced by T.
Protein change: p.Gln1010Ter; replaces glutamine 1010 with a stop codon.
Molecular consequence: nonsense. On other transcripts: non-coding transcript variant (2).
Genome position (GRCh38, 1-based): chr7:150,947,452, G>A on the plus strand (C>T on the coding strand, the complement: KCNH2 is on the minus strand). VCF-style: chr7-150947452-G-A. GRCh37 (hg19) VCF-style: chr7-150644540-G-A.
Other names: c.2740C>T, p.Gln914Ter (NM_001406753.1); c.2008C>T, p.Gln670Ter (NM_172057.3); short protein forms Q1010*, Q670*, Q914*.
Identifiers: ClinVar variation 4710749 (VCV004710749.1).
Genomic context (GRCh38, chr7:150,947,452, plus strand): 5'-GGCTGGAGAGGGGGATGTTGAGGAGGCTGGGGGTGGGGGCGGGGCATCGAGGGAGCTCCT[G>A]GTACTGGCGGCCCCGACTGTCCCCCCAGAAGCTGAAAATGTTGGACACTCCTGAGAAGGC-3'